The following is an entry in ClinVar:

NM_002246.3(KCNK3):c.802G>C (p.Gly268Arg)

Gene: KCNK3 (potassium two pore domain channel subfamily K member 3; plus strand). Cytogenetic location: 2p23.3.
Variant type: single nucleotide variant.
Coding change: c.802G>C on transcript NM_002246.3 (MANE Select); coding-DNA position 802, G replaced by C.
Protein change: p.Gly268Arg; replaces glycine 268 with arginine.
Molecular consequence: missense variant.
Genome position (GRCh38, 1-based): chr2:26,728,185, G>C. VCF-style: chr2-26728185-G-C. GRCh37 (hg19) VCF-style: chr2-26951053-G-C.
Other names: short protein forms G268R.
Identifiers: ClinVar variation 1414198 (VCV001414198.7), dbSNP rs774439143, ClinGen allele CA1565544.
Genomic context (GRCh38, chr2:26,728,185, plus strand): 5'-ACCATGAACGCCGAGGACGAGAAGCGCGACGCCGAGCACCGCGCGCTGCTCACGCGCAAC[G>C]GGCAGGCGGGCGGCGGCGGAGGGGGTGGCAGCGCGCACACTACGGACACCGCCTCATCCA-3'
Protein context (NP_002237.1, residues 258-278): AEHRALLTRN[Gly268Arg]QAGGGGGGGS

ClinVar aggregate classification (germline): Uncertain significance. Review status: criteria provided, multiple submitters, no conflicts (2 of 4 stars). 2 submissions from 2 submitters: Uncertain significance (2). Last evaluated 2024-06-18.

Conditions:
Pulmonary hypertension, primary, 4. Identifiers: Orphanet 422, MedGen C3809198, MONDO:0014136, OMIM 615344.

Allele frequency attached by ClinVar (database versions not stated): gnomAD 0.00003; ExAC 0.00010.
gnomAD v4.1: 41 of 1,567,912 alleles (0.0026%); highest among the groups gnomAD compares: Middle Eastern, 0.033%; no homozygotes.

Submissions (2):

Labcorp Genetics (formerly Invitae), Labcorp
Classification: Uncertain significance for Pulmonary hypertension, primary, 4. Last evaluated: 2024-06-18. Review status: criteria provided, single submitter. Criteria: Invitae Variant Classification Sherloc (09022015). Collection method: clinical testing. Allele origin: germline.
Comment: This sequence change replaces glycine, which is neutral and non-polar, with arginine, which is basic and polar, at codon 268 of the KCNK3 protein (p.Gly268Arg). This variant is present in population databases (rs774439143, gnomAD 0.005%). This variant has not been reported in the literature in individuals affected with KCNK3-related conditions. ClinVar contains an entry for this variant (Variation ID: 1414198). Advanced modeling of protein sequence and biophysical properties (such as structural, functional, and spatial information, amino acid conservation, physicochemical variation, residue mobility, and thermodynamic stability) performed at Invitae indicates that this missense variant is not expected to disrupt KCNK3 protein function with a negative predictive value of 80%. In summary, the available evidence is currently insufficient to determine the role of this variant in disease. Therefore, it has been classified as a Variant of Uncertain Significance.

Fulgent Genetics
Classification: Uncertain significance for Pulmonary hypertension, primary, 4. Last evaluated: 2022-03-22. Review status: criteria provided, single submitter. Criteria: ACMG Guidelines, 2015. Collection method: clinical testing. Allele origin: unknown.